The following is an entry in ClinVar:

ClinVar aggregate classification (germline): not provided (0 of 4 stars; one submission).

Allele frequency attached by ClinVar (database versions not stated): gnomAD exomes below 0.00001; gnomAD 0.00001.
gnomAD v4.1: 5 of 1,565,124 alleles (0.00032%); highest among the groups gnomAD compares: Non-Finnish European, 0.00043%; no homozygotes.

Submission:

Human Evolutionary Genetics, Institut Pasteur
No classification provided. Review status: no classification provided. Collection method: not provided. Allele origin: germline.
ClinVar note: Converted during submission from untested to not provided.

NM_178844.4(NLRC3):c.1870C>T (p.Leu624Phe)

Gene: NLRC3 (NLR family CARD domain containing 3; minus strand). Cytogenetic location: 16p13.3.
Variant type: single nucleotide variant.
Coding change: c.1870C>T on transcript NM_178844.4 (MANE Select); coding-DNA position 1870, C replaced by T.
Protein change: p.Leu624Phe; replaces leucine 624 with phenylalanine.
Molecular consequence: missense variant. On other transcripts: non-coding transcript variant (1).
Genome position (GRCh38, 1-based): chr16:3,563,067, G>A on the plus strand (C>T on the coding strand, the complement: NLRC3 is on the minus strand). VCF-style: chr16-3563067-G-A. GRCh37 (hg19) VCF-style: chr16-3613068-G-A.
Other names: short protein forms L624F.
Identifiers: ClinVar variation 103359 (VCV000103359.2), dbSNP rs199475940, ClinGen allele CA230470.